The following is an entry in ClinVar:

ClinVar aggregate classification (germline): Uncertain significance (1 of 4 stars; one submission).

gnomAD v4.1: 6 of 1,604,882 alleles (0.00037%); highest among the groups gnomAD compares: South Asian, 0.0022%; no homozygotes.

Submission:

Labcorp Genetics (formerly Invitae), Labcorp
Classification: Uncertain significance. Last evaluated: 2025-07-06. Review status: criteria provided, single submitter. Criteria: Invitae Variant Classification Sherloc (09022015). Collection method: clinical testing. Allele origin: germline.
Comment: This sequence change falls in intron 11 of the BPTF gene. It does not directly change the encoded amino acid sequence of the BPTF protein. This variant is present in population databases (no rsID available, gnomAD 0.007%). This variant has not been reported in the literature in individuals affected with BPTF-related conditions. Algorithms developed to predict the effect of sequence changes on RNA splicing suggest that this variant may disrupt the consensus splice site. In summary, the available evidence is currently insufficient to determine the role of this variant in disease. Therefore, it has been classified as a Variant of Uncertain Significance.

NM_182641.4(BPTF):c.2812+9T>G

Gene: BPTF (bromodomain PHD finger transcription factor; plus strand). Cytogenetic location: 17q24.2.
Variant type: single nucleotide variant.
Coding change: c.2812+9T>G on transcript NM_182641.4 (MANE Select); 9 bases into the intron after coding-DNA position 2812, T replaced by G.
Molecular consequence: intron variant.
Genome position (GRCh38, 1-based): chr17:67,904,849, T>G. VCF-style: chr17-67904849-T-G. GRCh37 (hg19) VCF-style: chr17-65900965-T-G.
Other names: c.3190+9T>G (NM_001439140.1, NM_004459.7, NM_001439142.1); c.3001+9T>G (NM_001439141.1, NM_001439139.1, NM_001439144.1 and 1 more transcripts).
Identifiers: ClinVar variation 4750681 (VCV004750681.1).